The following is an entry in ClinVar:

ClinVar aggregate classification (germline): Uncertain significance (1 of 4 stars; one submission).

Conditions:
Inborn genetic diseases. Identifiers: MedGen C0950123, MeSH D030342.

gnomAD v4.1: 10 of 1,614,228 alleles (0.00062%); highest among the groups gnomAD compares: South Asian, 0.011%; no homozygotes.

Submission:

Ambry Genetics
Classification: Uncertain significance for Inborn genetic diseases. Last evaluated: 2024-10-15. Review status: criteria provided, single submitter. Criteria: Ambry Variant Classification Scheme 2023. Collection method: clinical testing. Allele origin: germline.
Comment: The p.D545E variant (also known as c.1635T>G), located in coding exon 12 of the BMPR2 gene, results from a T to G substitution at nucleotide position 1635. The aspartic acid at codon 545 is replaced by glutamic acid, an amino acid with highly similar properties. This amino acid position is conserved. In addition, the in silico prediction for this alteration is inconclusive. Based on the available evidence, the clinical significance of this variant remains unclear.

NM_001204.7(BMPR2):c.1635T>G (p.Asp545Glu)

Gene: BMPR2 (bone morphogenetic protein receptor type 2; plus strand). Cytogenetic location: 2q33.2.
Variant type: single nucleotide variant.
Coding change: c.1635T>G on transcript NM_001204.7 (MANE Select); coding-DNA position 1635, T replaced by G.
Protein change: p.Asp545Glu; replaces aspartic acid 545 with glutamic acid.
Molecular consequence: missense variant.
Genome position (GRCh38, 1-based): chr2:202,555,300, T>G. VCF-style: chr2-202555300-T-G. GRCh37 (hg19) VCF-style: chr2-203420023-T-G.
Other names: short protein forms D545E.
Identifiers: ClinVar variation 3481269 (VCV003481269.1).